The following is an entry in ClinVar:

NM_017849.4(TMEM127):c.416A>T (p.Gln139Leu)

Gene: TMEM127 (transmembrane protein 127; minus strand). Cytogenetic location: 2q11.2.
Variant type: single nucleotide variant.
Coding change: c.416A>T on transcript NM_017849.4 (MANE Select); coding-DNA position 416, A replaced by T.
Protein change: p.Gln139Leu; replaces glutamine 139 with leucine.
Molecular consequence: missense variant.
Genome position (GRCh38, 1-based): chr2:96,254,109, T>A on the plus strand (A>T on the coding strand, the complement: TMEM127 is on the minus strand). VCF-style: chr2-96254109-T-A. GRCh37 (hg19) VCF-style: chr2-96919847-T-A.
Other names: c.416A>T, p.Gln139Leu (NM_001193304.3); c.164A>T, p.Gln55Leu (NM_001407282.1, NM_001407283.1); short protein forms Q139L, Q55L.
Identifiers: ClinVar variation 3807755 (VCV003807755.1).

ClinVar aggregate classification (germline): Uncertain significance (1 of 4 stars; one submission).

Conditions:
Hereditary cancer-predisposing syndrome. Also called: Neoplastic Syndromes, Hereditary; Hereditary Cancer Syndrome; Tumor predisposition; Hereditary neoplastic syndrome. Identifiers: Orphanet 140162, MedGen C0027672, MeSH D009386, MONDO:0015356.

Submission:

Ambry Genetics
Classification: Uncertain significance for Hereditary cancer-predisposing syndrome. Last evaluated: 2025-03-10. Review status: criteria provided, single submitter. Criteria: Ambry Variant Classification Scheme 2023. Collection method: clinical testing. Allele origin: germline.
Comment: The p.Q139L variant (also known as c.416A>T), located in coding exon 3 of the TMEM127 gene, results from an A to T substitution at nucleotide position 416. The glutamine at codon 139 is replaced by leucine, an amino acid with dissimilar properties. This amino acid position is conserved. In addition, this alteration is predicted to be deleterious by in silico analysis. Based on the available evidence, the clinical significance of this variant remains unclear.